The following is an entry in ClinVar:

NM_002076.4(GNS):c.246del (p.Ser83fs)

Gene: GNS (glucosamine (N-acetyl)-6-sulfatase; minus strand). Cytogenetic location: 12q14.3.
Variant type: Deletion.
Coding change: c.246del on transcript NM_002076.4 (MANE Select); coding-DNA position 246, one base deleted (C; older notation c.246delC).
Protein change: p.Ser83fs; shifts the reading frame from serine 83.
Molecular consequence: frameshift variant.
Genome position (GRCh38, 1-based): chr12:64,752,704, G deleted on the plus strand (C on the coding strand, the reverse complement: GNS is on the minus strand); the first of 2 consecutive G bases (chr12:64,752,704-64,752,705); deleting either gives the same sequence. VCF-style (leftmost placement, unchanged base first): chr12-64752703-TG-T. GRCh37 (hg19) VCF-style: chr12-65146483-TG-T.
Other names: short protein forms S83fs.
Identifiers: ClinVar variation 2033415 (VCV002033415.4), dbSNP rs2539533247, ClinGen allele CA2575214473.
Genomic context (GRCh38, chr12:64,752,703, plus strand): 5'-TCTTAGAATACAAACACAGTTAAATTAACAAAATTGAATTAACTTTCAAACTTACAGCAC[TG>T]GAAAAAGTCATCCCCATCTCTCCGATGAGAGCTTTGGTTTTCTTTAGCGGTGTCTGTAAA-3'

ClinVar aggregate classification (germline): Pathogenic (1 of 4 stars; one submission).

Conditions:
Mucopolysaccharidosis, MPS-III-D (MPS3D). Also called: N-ACETYLGLUCOSAMINE-6-SULFATASE DEFICIENCY; SANFILIPPO SYNDROME D; MPS III D; Mucopoly-saccharidosis type 3D; N-acetylglucosamine-6-sulfate sulfatase deficiency; MPS 3D. Identifiers: Orphanet 581, Orphanet 79272, MedGen C0086650, MONDO:0009658, OMIM 252940.

Submission:

Labcorp Genetics (formerly Invitae), Labcorp
Classification: Pathogenic for Mucopolysaccharidosis, MPS-III-D. Last evaluated: 2022-09-29. Review status: criteria provided, single submitter. Criteria: Invitae Variant Classification Sherloc (09022015). Collection method: clinical testing. Allele origin: germline.
Comment: This sequence change creates a premature translational stop signal (p.Ser83Valfs*17) in the GNS gene. It is expected to result in an absent or disrupted protein product. Loss-of-function variants in GNS are known to be pathogenic (PMID: 20232353). This variant is not present in population databases (gnomAD no frequency). This variant has not been reported in the literature in individuals affected with GNS-related conditions. For these reasons, this variant has been classified as Pathogenic.

Literature cited by the submitters: PubMed 20232353.